The following is an entry in ClinVar:

ClinVar aggregate classification (germline): Benign/Likely benign. Review status: criteria provided, multiple submitters, no conflicts (2 of 4 stars). 7 submissions from 7 submitters: Benign (2); Likely benign (3). 2 of the submissions do not count toward it. Last evaluated 2026-01-27.

Conditions:
Brain small vessel disease 2A, autosomal dominant. Also called: Porencephaly 2. Identifiers: Orphanet 2940, Orphanet 99810, MedGen C3280970, MONDO:0013773, OMIM 614483.

Allele frequency attached by ClinVar (database versions not stated): gnomAD exomes 0.00101 and 0.00234; ExAC 0.00233; 1000 Genomes Project 30x 0.00531; 1000 Genomes Project 0.00579; ESP Exome Variant Server 0.00706; gnomAD 0.00717 and 0.00777; TOPMed 0.00848.
gnomAD v4.1: 2,681 of 1,614,182 alleles (0.17%); highest among the groups gnomAD compares: African/African-American, 2.3%; 24 homozygotes.

Submissions (7):

Labcorp Genetics (formerly Invitae), Labcorp
Classification: Benign. Last evaluated: 2026-01-27. Review status: criteria provided, single submitter. Criteria: Invitae Variant Classification Sherloc (09022015). Collection method: clinical testing. Allele origin: germline.

Mayo Clinic Laboratories, Mayo Clinic
Classification: Benign. Last evaluated: 2024-08-07. Review status: criteria provided, single submitter. Criteria: ACMG Guidelines, 2015. Collection method: clinical testing. Allele origin: germline. Observed: 5 variant alleles.
Comment: BS1, BS2, BP4, BP7

GeneDx
Classification: Likely benign. Last evaluated: 2021-06-22. Review status: criteria provided, single submitter. Criteria: GeneDx Variant Classification Process June 2021. Collection method: clinical testing. Allele origin: germline. Affected: yes.

Illumina Laboratory Services, Illumina
Classification: Likely benign for Brain small vessel disease 2A, autosomal dominant. Last evaluated: 2017-04-27. Review status: criteria provided, single submitter. Criteria: ICSL Variant Classification Criteria 13 December 2019. Collection method: clinical testing. Allele origin: germline.
Comment: This variant was observed as part of a predisposition screen in an ostensibly healthy population. A literature search was performed for the gene, cDNA change, and amino acid change (where applicable). No publications were found based on this search. Allele frequency data from public databases allowed determination this variant is unlikely to cause disease. Therefore, this variant is classified as likely benign.

Breakthrough Genomics
Classification: Likely benign. Review status: criteria provided, single submitter. Criteria: ACMG Guidelines, 2015. Collection method: not provided. Allele origin: germline. Inheritance: Autosomal dominant inheritance. Affected: yes.

Clinical Genetics DNA and cytogenetics Diagnostics Lab, Erasmus MC, Erasmus Medical Center
Classification: Likely benign. Review status: no assertion criteria provided. Collection method: clinical testing. Allele origin: germline. Affected: yes. Study: VKGL Data-share Consensus. Not counted in ClinVar's aggregate classification.

Laboratory of Diagnostic Genome Analysis, Leiden University Medical Center (LUMC)
Classification: Likely benign. Review status: no assertion criteria provided. Collection method: clinical testing. Allele origin: germline. Affected: yes. Study: VKGL Data-share Consensus. Not counted in ClinVar's aggregate classification.

NM_001846.4(COL4A2):c.888A>G (p.Gly296=)

Gene: COL4A2 (collagen type IV alpha 2 chain; plus strand). Cytogenetic location: 13q34.
Variant type: single nucleotide variant.
Coding change: c.888A>G on transcript NM_001846.4 (MANE Select); coding-DNA position 888, A replaced by G.
Protein change: p.Gly296=; no amino-acid change (glycine 296 retained).
Molecular consequence: synonymous variant.
Genome position (GRCh38, 1-based): chr13:110,438,644, A>G. VCF-style: chr13-110438644-A-G. GRCh37 (hg19) VCF-style: chr13-111090991-A-G.
Other names: p.Gly296=.
Identifiers: ClinVar variation 311113 (VCV000311113.20), dbSNP rs114482753, ClinGen allele CA7049199.